The following is an entry in ClinVar:

NM_030957.4(ADAMTS10):c.3193G>A (p.Gly1065Ser)

Gene: ADAMTS10 (ADAM metallopeptidase with thrombospondin type 1 motif 10; minus strand). Cytogenetic location: 19p13.2.
Variant type: single nucleotide variant.
Coding change: c.3193G>A on transcript NM_030957.4 (MANE Select); coding-DNA position 3193, G replaced by A.
Protein change: p.Gly1065Ser; replaces glycine 1065 with serine.
Molecular consequence: missense variant.
Genome position (GRCh38, 1-based): chr19:8,584,904, C>T on the plus strand (G>A on the coding strand, the complement: ADAMTS10 is on the minus strand). VCF-style: chr19-8584904-C-T. GRCh37 (hg19) VCF-style: chr19-8649788-C-T.
Other names: c.1654G>A, p.Gly552Ser (NM_001282352.2); short protein forms G1065S, G552S.
Identifiers: ClinVar variation 81472 (VCV000081472.23), dbSNP rs80046653, ClinGen allele CA9159967.
Genomic context (GRCh38, chr19:8,584,904, plus strand): 5'-CTGCCTCTGGCCAGGACCCTCCTGGCGCACCCTGGCTGGTCACCCACATACCTTCAGGGC[C>T]GTCCCCGGGGGTTGGGCTGTCGCACTTGGCCTCACACTGCTGCGTGGTGGGCGGCCGCAG-3'
Protein context (NP_112219.3, residues 1055-1075): AKCDSPTPGD[Gly1065Ser]PEECKDVNKV

ClinVar aggregate classification (germline): Benign/Likely benign. Review status: criteria provided, multiple submitters, no conflicts (2 of 4 stars). 5 submissions from 5 submitters: Benign (3); Likely benign (2). Last evaluated 2026-02-02.

Conditions:
Weill-Marchesani syndrome. Also called: WM Syndrome; Mesodermal dysmorphodystrophy congenital. Identifiers: Orphanet 3449, MedGen C0265313, MONDO:0018096.

Allele frequency attached by ClinVar (database versions not stated): gnomAD exomes 0.00110; ExAC 0.00163; gnomAD 0.00610 and 0.00659; 1000 Genomes Project 0.00619; TOPMed 0.00624; ESP Exome Variant Server 0.00647; 1000 Genomes Project 30x 0.00734.
gnomAD v4.1: 1,802 of 1,548,962 alleles (0.12%); highest among the groups gnomAD compares: African/African-American, 2.1%; 26 homozygotes.

Submissions (5):

Labcorp Genetics (formerly Invitae), Labcorp
Classification: Benign. Last evaluated: 2026-02-02. Review status: criteria provided, single submitter. Criteria: Invitae Variant Classification Sherloc (09022015). Collection method: clinical testing. Allele origin: germline.

GeneDx
Classification: Likely benign. Last evaluated: 2020-05-26. Review status: criteria provided, single submitter. Criteria: GeneDx Variant Classification Process June 2021. Collection method: clinical testing. Allele origin: germline. Affected: yes.

Illumina Laboratory Services, Illumina
Classification: Benign for Weill-Marchesani syndrome. Last evaluated: 2018-01-12. Review status: criteria provided, single submitter. Criteria: ICSL Variant Classification Criteria 13 December 2019. Collection method: clinical testing. Allele origin: germline.
Comment: This variant was observed in the ICSL laboratory as part of a predisposition screen in an ostensibly healthy population. It had not been previously curated by ICSL or reported in the Human Gene Mutation Database (HGMD: prior to June 1st, 2018), and was therefore a candidate for classification through an automated scoring system. Utilizing variant allele frequency, disease prevalence and penetrance estimates, and inheritance mode, an automated score was calculated to assess if this variant is too frequent to cause the disease. Based on the score and internal cut-off values, a variant classified as benign is not then subjected to further curation. The score for this variant resulted in a classification of benign for this disease.

Eurofins Ntd Llc (ga)
Classification: Benign. Last evaluated: 2015-10-01. Review status: criteria provided, single submitter. Criteria: EGL Classification Definitions 2015. Collection method: clinical testing. Allele origin: germline. Observed: 1 variant allele, 1 heterozygote.

Breakthrough Genomics
Classification: Likely benign. Review status: criteria provided, single submitter. Criteria: ACMG Guidelines, 2015. Collection method: not provided. Allele origin: germline. Inheritance: Autosomal recessive inheritance. Affected: yes.